The following is an entry in ClinVar:

NM_020822.3(KCNT1):c.1402-6C>G

Gene: KCNT1 (potassium sodium-activated channel subfamily T member 1; plus strand). Cytogenetic location: 9q34.3.
Variant type: single nucleotide variant.
Coding change: c.1402-6C>G on transcript NM_020822.3 (MANE Select); 6 bases into the intron before coding-DNA position 1402, C replaced by G.
Molecular consequence: intron variant.
Genome position (GRCh38, 1-based): chr9:135,768,823, C>G. VCF-style: chr9-135768823-C-G. GRCh37 (hg19) VCF-style: chr9-138660669-C-G.
Other names: c.1267-6C>G (NM_001272003.2).
Identifiers: ClinVar variation 2101632 (VCV002101632.4), dbSNP rs755796820, ClinGen allele CA1129967417.
Genomic context (GRCh38, chr9:135,768,823, plus strand): 5'-GCCGGTGCCGCCCAGCAGCCCACAGAGGCCAGCCCGTCTGCACTGACCAACCACCCACCC[C>G]GCCAGGACCACCAGACCATCCTGCGCGCCTGGGCCGTGAAGGACTTCGCCCCCAACTGCC-3'

ClinVar aggregate classification (germline): Uncertain significance (1 of 4 stars; one submission).

Conditions:
Autosomal dominant nocturnal frontal lobe epilepsy 5. Also called: CILIARY DYSKINESIA, PRIMARY, 28, WITHOUT SITUS INVERSUS; CILIARY DYSKINESIA, PRIMARY, 28, WITH SITUS INVERSUS; Epilepsy, nocturnal frontal lobe, 5; KCNT1-Related Epilepsy. Identifiers: Orphanet 98784, MedGen C3554306, MONDO:0014002, OMIM 615005.
Developmental and epileptic encephalopathy, 14 (DEE14). Also called: Early infantile epileptic encephalopathy 14. Identifiers: Orphanet 293181, MedGen C3554195, MONDO:0013989, OMIM 614959.

gnomAD v4.1: 1 of 1,608,450 alleles (0.000062%); highest among the groups gnomAD compares: Non-Finnish European, 0.000085%; no homozygotes.

Submission:

Labcorp Genetics (formerly Invitae), Labcorp
Classification: Uncertain significance for Autosomal dominant nocturnal frontal lobe epilepsy 5; Developmental and epileptic encephalopathy, 14. Last evaluated: 2022-02-22. Review status: criteria provided, single submitter. Criteria: Invitae Variant Classification Sherloc (09022015). Collection method: clinical testing. Allele origin: germline.
Comment: This sequence change falls in intron 14 of the KCNT1 gene. It does not directly change the encoded amino acid sequence of the KCNT1 protein. This variant is not present in population databases (gnomAD no frequency). This variant has not been reported in the literature in individuals affected with KCNT1-related conditions. Algorithms developed to predict the effect of sequence changes on RNA splicing suggest that this variant may create or strengthen a splice site. In summary, the available evidence is currently insufficient to determine the role of this variant in disease. Therefore, it has been classified as a Variant of Uncertain Significance.